The following is an entry in ClinVar:

NM_004260.4(RECQL4):c.111G>C (p.Glu37Asp)

Genes: RECQL4 (RecQ like helicase 4; minus strand), LOC130001411 (ATAC-STARR-seq lymphoblastoid silent region 19699; plus strand). Cytogenetic location: 8q24.3.
Variant type: single nucleotide variant.
Coding change: c.111G>C on transcript NM_004260.4 (MANE Select); coding-DNA position 111, G replaced by C.
Protein change: p.Glu37Asp; replaces glutamic acid 37 with aspartic acid.
Molecular consequence: missense variant. On other transcripts: 5 prime UTR variant (17), non-coding transcript variant (3), intron variant (1).
Genome position (GRCh38, 1-based): chr8:144,517,609, C>G on the plus strand (G>C on the coding strand, the complement: RECQL4 is on the minus strand). VCF-style: chr8-144517609-C-G. GRCh37 (hg19) VCF-style: chr8-145742993-C-G.
Other names: c.-858G>C (NM_001413024.1, NM_001413035.1); c.-1023G>C (NM_001413027.1, NM_001413030.1, NM_001413031.1 and 1 more transcripts); c.-686G>C (NM_001413028.1); c.111G>C, p.Glu37Asp (NM_001413029.1, NM_001413033.1, NM_001413036.1 and 5 more transcripts); c.-920G>C (NM_001413032.1); c.-865G>C (NM_001413034.1); c.-961G>C (NM_001413037.1, NM_001413038.1, NM_001413022.1 and 2 more transcripts); c.-610G>C (NM_001413021.1); and 3 more; short protein forms E37D.
Identifiers: ClinVar variation 4863197 (VCV004863197.1).
Genomic context (GRCh38, chr8:144,517,609, plus strand): 5'-GGCCCCTGCCGACCCGGTGTCTTCTCGCCCCCGCCGCCCCGCCGCGCGCTCACCGCGGGT[C>G]TCCTCCGGCGCCGCCTCCACGTCGTCCTGTAAAGGGAACGCGTCAGCCGCGGGCCGCGCC-3'
Protein context (NP_004251.4, residues 27-47): SQDDVEAAPE[Glu37Asp]TRALYREYRT

ClinVar aggregate classification (germline): Uncertain significance (1 of 4 stars; one submission).

Conditions:
Inborn genetic diseases. Identifiers: MedGen C0950123, MeSH D030342.

Submission:

Ambry Genetics
Classification: Uncertain significance for Inborn genetic diseases. Last evaluated: 2026-05-19. Review status: criteria provided, single submitter. Criteria: Ambry Variant Classification Scheme 2023. Collection method: clinical testing. Allele origin: germline.
Comment: The p.E37D variant (also known as c.111G>C), located in coding exon 2 of the RECQL4 gene, results from a G to C substitution at nucleotide position 111. The glutamic acid at codon 37 is replaced by aspartic acid, an amino acid with highly similar properties. This amino acid position is conserved. In addition, this alteration is predicted to be tolerated by in silico analysis. Based on the available evidence, the clinical significance of this variant remains unclear.